The following is an entry in ClinVar:

ClinVar aggregate classification (germline): Uncertain significance. Review status: criteria provided, multiple submitters, no conflicts (2 of 4 stars). 5 submissions from 5 submitters: Uncertain significance (5). Last evaluated 2024-10-25.

Conditions:
SLX4-related disorder. Also called: SLX4-related condition.
Fanconi anemia complementation group P. Also called: SLX4-Related Fanconi Anemia. Identifiers: Orphanet 84, MedGen C3469542, MONDO:0013499, OMIM 613951.
Fanconi anemia (FA). Also called: Fanconi's anemia. Identifiers: Orphanet 84, MedGen C0015625, MeSH D005199, MONDO:0019391.

Allele frequency attached by ClinVar (database versions not stated): TOPMed 0.00002; gnomAD 0.00004 and 0.00011; ExAC 0.00025.
gnomAD v4.1: 282 of 1,613,942 alleles (0.017%); highest among the groups gnomAD compares: South Asian, 0.16%; 1 homozygote.

Submissions (5):

Blueprint Genetics
Classification: Uncertain significance. Last evaluated: 2024-10-25. Review status: criteria provided, single submitter. Criteria: ACMG Guidelines, 2015. Collection method: clinical testing. Allele origin: germline.

Labcorp Genetics (formerly Invitae), Labcorp
Classification: Uncertain significance for Fanconi anemia. Last evaluated: 2024-07-29. Review status: criteria provided, single submitter. Criteria: Invitae Variant Classification Sherloc (09022015). Collection method: clinical testing. Allele origin: germline.
Comment: This sequence change replaces aspartic acid, which is acidic and polar, with asparagine, which is neutral and polar, at codon 1802 of the SLX4 protein (p.Asp1802Asn). This variant is present in population databases (rs760435859, gnomAD 0.2%). This variant has not been reported in the literature in individuals affected with SLX4-related conditions. ClinVar contains an entry for this variant (Variation ID: 407900). An algorithm developed to predict the effect of missense changes on protein structure and function (PolyPhen-2) suggests that this variant is likely to be disruptive. In summary, the available evidence is currently insufficient to determine the role of this variant in disease. Therefore, it has been classified as a Variant of Uncertain Significance.

Fulgent Genetics
Classification: Uncertain significance for Fanconi anemia complementation group P. Last evaluated: 2024-06-18. Review status: criteria provided, single submitter. Criteria: ACMG Guidelines, 2015. Collection method: clinical testing. Allele origin: germline.

CeGaT Center for Human Genetics Tuebingen
Classification: Uncertain significance. Last evaluated: 2023-10-01. Review status: criteria provided, single submitter. Criteria: CeGaT Center For Human Genetics Tuebingen Variant Classification Criteria Version 2. Collection method: clinical testing. Allele origin: germline. Affected: yes. Observed: 1 variant allele.
Comment: SLX4: PP2

PreventionGenetics, part of Exact Sciences
Classification: Uncertain significance for SLX4-related condition. Last evaluated: 2023-08-23. Review status: criteria provided, single submitter. Criteria: ACMG Guidelines, 2015. Collection method: clinical testing. Allele origin: germline.
Comment: The SLX4 c.5404G>A variant is predicted to result in the amino acid substitution p.Asp1802Asn. To our knowledge, this variant has not been reported in the literature. This variant is reported in 0.15% of alleles in individuals of South Asian descent in gnomAD. Although we suspect that this variant may be benign, at this time, the clinical significance of this variant is uncertain due to the absence of conclusive functional and genetic evidence.

NM_032444.4(SLX4):c.5404G>A (p.Asp1802Asn)

Gene: SLX4 (SLX4 structure-specific endonuclease subunit; minus strand). Cytogenetic location: 16p13.3.
Variant type: single nucleotide variant.
Coding change: c.5404G>A on transcript NM_032444.4 (MANE Select); coding-DNA position 5404, G replaced by A.
Protein change: p.Asp1802Asn; replaces aspartic acid 1802 with asparagine.
Molecular consequence: missense variant.
Genome position (GRCh38, 1-based): chr16:3,582,443, C>T on the plus strand (G>A on the coding strand, the complement: SLX4 is on the minus strand). VCF-style: chr16-3582443-C-T. GRCh37 (hg19) VCF-style: chr16-3632444-C-T.
Other names: c.5404G>A (NM_032444.3, LRG_503t1); short protein forms D1802N.
Identifiers: ClinVar variation 407900 (VCV000407900.35), dbSNP rs760435859, ClinGen allele CA7865320.
Genomic context (GRCh38, chr16:3,582,443, plus strand): 5'-TCCTGCCCTGGAGCTTCTCCCTGCGGGTGGCGGCAGTGGTGAAGGTGATACAGTGGGTGT[C>T]CAGGAAGTCCAACAGCCTGCGCGAGGACACACGGAGGCCGTTCTGCCTCAGCTCTGCCTG-3'
Protein context (NP_115820.2, residues 1792-1812): VSSRRLLDFL[Asp1802Asn]THCITFTTAA